The following is an entry in ClinVar:

NM_013280.5(FLRT1):c.1394G>A (p.Arg465Gln)

Genes: FLRT1 (fibronectin leucine rich transmembrane protein 1; plus strand), MACROD1 (mono-ADP ribosylhydrolase 1; minus strand). Cytogenetic location: 11q13.1.
Variant type: single nucleotide variant.
Coding change: c.1394G>A on transcript NM_013280.5 (MANE Select); coding-DNA position 1394, G replaced by A.
Protein change: p.Arg465Gln; replaces arginine 465 with glutamine.
Molecular consequence: missense variant. On other transcripts: intron variant (2).
Genome position (GRCh38, 1-based): chr11:64,117,661, G>A. VCF-style: chr11-64117661-G-A. GRCh37 (hg19) VCF-style: chr11-63885133-G-A.
Other names: c.1394G>A, p.Arg465Gln (NM_001384466.1); c.1310G>A, p.Arg437Gln (NM_001423967.1); c.517+33578C>T (NM_001411019.1, NM_014067.4); short protein forms R437Q, R465Q.
Identifiers: ClinVar variation 2634534 (VCV002634534.3), dbSNP rs774674765, ClinGen allele CA6067701.

ClinVar aggregate classification (germline): Uncertain significance. Review status: criteria provided, multiple submitters, no conflicts (2 of 4 stars). 2 submissions from 2 submitters: Uncertain significance (2). Last evaluated 2025-07-02.

Conditions:
FLRT1-related disorder. Also called: FLRT1-related condition.

Allele frequency attached by ClinVar (database versions not stated): ExAC 0.00002; TOPMed 0.00004; gnomAD 0.00005.
gnomAD v4.1: 72 of 1,613,570 alleles (0.0045%); highest among the groups gnomAD compares: Non-Finnish European, 0.0052%; no homozygotes.

Submissions (2):

Ambry Genetics
Classification: Uncertain significance. Last evaluated: 2025-07-02. Review status: criteria provided, single submitter. Criteria: Ambry Variant Classification Scheme 2023. Collection method: clinical testing. Allele origin: germline.

PreventionGenetics, part of Exact Sciences
Classification: Uncertain significance for FLRT1-related condition. Last evaluated: 2022-11-02. Review status: criteria provided, single submitter. Criteria: ACMG Guidelines, 2015. Collection method: clinical testing. Allele origin: germline.
Comment: The FLRT1 c.1394G>A variant is predicted to result in the amino acid substitution p.Arg465Gln. To our knowledge, this variant has not been reported in the literature. This variant is reported in 0.0063% of alleles in individuals of European (Non-Finnish) descent in gnomAD. At this time, the clinical significance of this variant is uncertain due to the absence of conclusive functional and genetic evidence.